The following is an entry in ClinVar:

NM_014314.4(RIGI):c.1145C>A (p.Pro382Gln)

Gene: RIGI (RNA sensor RIG-I; minus strand). Cytogenetic location: 9p21.1.
Variant type: single nucleotide variant.
Coding change: c.1145C>A on transcript NM_014314.4 (MANE Select); coding-DNA position 1145, C replaced by A.
Protein change: p.Pro382Gln; replaces proline 382 with glutamine.
Molecular consequence: missense variant.
Genome position (GRCh38, 1-based): chr9:32,488,012, G>T on the plus strand (C>A on the coding strand, the complement: RIGI is on the minus strand). VCF-style: chr9-32488012-G-T. GRCh37 (hg19) VCF-style: chr9-32488010-G-T.
Other names: c.1139C>A, p.Pro380Gln (NM_001385907.1); c.1145C>A, p.Pro382Gln (NM_001385909.1); c.704C>A, p.Pro235Gln (NM_001385910.1); c.536C>A, p.Pro179Gln (NM_001385912.1); c.1130C>A, p.Pro377Gln (NM_001385913.1); c.701C>A, p.Pro234Gln (NM_001385914.1); short protein forms P234Q, P377Q, P382Q, P179Q, P380Q, P235Q.
Identifiers: ClinVar variation 3690295 (VCV003690295.2).

ClinVar aggregate classification (germline): Uncertain significance (1 of 4 stars; one submission).

gnomAD v4.1: 4 of 1,613,910 alleles (0.00025%); highest among the groups gnomAD compares: South Asian, 0.0044%; no homozygotes.

Submission:

Labcorp Genetics (formerly Invitae), Labcorp
Classification: Uncertain significance. Last evaluated: 2024-05-17. Review status: criteria provided, single submitter. Criteria: Invitae Variant Classification Sherloc (09022015). Collection method: clinical testing. Allele origin: germline.
Comment: This sequence change replaces proline, which is neutral and non-polar, with glutamine, which is neutral and polar, at codon 382 of the DDX58 protein (p.Pro382Gln). This variant is present in population databases (rs141073676, gnomAD 0.01%). This variant has not been reported in the literature in individuals affected with DDX58-related conditions. Advanced modeling of protein sequence and biophysical properties (such as structural, functional, and spatial information, amino acid conservation, physicochemical variation, residue mobility, and thermodynamic stability) performed at Invitae indicates that this missense variant is expected to disrupt DDX58 protein function with a positive predictive value of 80%. In summary, the available evidence is currently insufficient to determine the role of this variant in disease. Therefore, it has been classified as a Variant of Uncertain Significance.